The following is an entry in ClinVar:

NM_001165963.4(SCN1A):c.329T>A (p.Ile110Asn)

Gene: SCN1A (sodium voltage-gated channel alpha subunit 1; minus strand). Cytogenetic location: 2q24.3.
Variant type: single nucleotide variant.
Coding change: c.329T>A on transcript NM_001165963.4 (MANE Select); coding-DNA position 329, T replaced by A.
Protein change: p.Ile110Asn; replaces isoleucine 110 with asparagine.
Molecular consequence: missense variant. On other transcripts: 5 prime UTR variant (1), non-coding transcript variant (1).
Genome position (GRCh38, 1-based): chr2:166,058,624, A>T on the plus strand (T>A on the coding strand, the complement: SCN1A is on the minus strand). VCF-style: chr2-166058624-A-T. GRCh37 (hg19) VCF-style: chr2-166915134-A-T.
Other names: c.329T>A, p.Ile110Asn (NM_001202435.3, NM_001353948.2, NM_001353949.2 and 10 more transcripts); c.-2097T>A (NM_001353961.2); short protein forms I110N.
Identifiers: ClinVar variation 2796440 (VCV002796440.3), dbSNP rs2468272300, ClinGen allele CA349077031.

ClinVar aggregate classification (germline): Uncertain significance (1 of 4 stars; one submission).

Conditions:
Early-infantile DEE. Also called: Early infantile epileptic encephalopathy; Early infantile epileptic encephalopathy with suppression bursts; Ohtahara syndrome. Identifiers: Orphanet 1934, MedGen C0393706, MONDO:0800491.

Submission:

Labcorp Genetics (formerly Invitae), Labcorp
Classification: Uncertain significance for Early-infantile DEE. Last evaluated: 2024-02-23. Review status: criteria provided, single submitter. Criteria: Invitae Variant Classification Sherloc (09022015). Collection method: clinical testing. Allele origin: germline.
Comment: This sequence change replaces isoleucine, which is neutral and non-polar, with asparagine, which is neutral and polar, at codon 110 of the SCN1A protein (p.Ile110Asn). This variant is not present in population databases (gnomAD no frequency). This missense change has been observed in individual(s) with clinical features of SCN1A-related conditions (Invitae). Advanced modeling of protein sequence and biophysical properties (such as structural, functional, and spatial information, amino acid conservation, physicochemical variation, residue mobility, and thermodynamic stability) performed at Invitae indicates that this missense variant is expected to disrupt SCN1A protein function with a positive predictive value of 95%. In summary, the available evidence is currently insufficient to determine the role of this variant in disease. Therefore, it has been classified as a Variant of Uncertain Significance.